The following is an entry in ClinVar:

NM_001303256.3(MORC2):c.839C>T (p.Thr280Met)

Gene: MORC2 (MORC family CW-type zinc finger 2; minus strand). Cytogenetic location: 22q12.2.
Variant type: single nucleotide variant.
Coding change: c.839C>T on transcript NM_001303256.3 (MANE Select); coding-DNA position 839, C replaced by T.
Protein change: p.Thr280Met; replaces threonine 280 with methionine.
Molecular consequence: missense variant.
Genome position (GRCh38, 1-based): chr22:30,940,823, G>A on the plus strand (C>T on the coding strand, the complement: MORC2 is on the minus strand). VCF-style: chr22-30940823-G-A. GRCh37 (hg19) VCF-style: chr22-31336810-G-A.
Other names: c.839C>T, p.Thr280Met (NM_001303257.2); c.653C>T, p.Thr218Met (NM_014941.3); short protein forms T218M, T280M.
Identifiers: ClinVar variation 542290 (VCV000542290.14), dbSNP rs764379949, ClinGen allele CA10187142.
Genomic context (GRCh38, chr22:30,940,823, plus strand): 5'-CTTGCTACGTGCTCTGCTTTCTTCACCTCCTGCTCCGCACGGGTCTTGAAACGGCTTGAC[G>A]TGTACTTGTACATCCTGATCAGTAGAAAAAGCAAGCTGATGGCCCACGCAGCAGTGGGGC-3'
Protein context (NP_001290185.1, residues 270-290): CLYKPRMYKY[Thr280Met]SSRFKTRAEQ

ClinVar aggregate classification (germline): Uncertain significance. Review status: criteria provided, multiple submitters, no conflicts (2 of 4 stars). 4 submissions from 4 submitters: Uncertain significance (4). Last evaluated 2024-10-03.

Conditions:
Inborn genetic diseases. Identifiers: MedGen C0950123, MeSH D030342.
Tip-toe gait. Also called: Toe walking. Identifiers: MedGen C0427144, HP:0030051.
Charcot-Marie-Tooth disease axonal type 2Z. Also called: CHARCOT-MARIE-TOOTH DISEASE, AXONAL, AUTOSOMAL DOMINANT, TYPE 2Z; CHARCOT-MARIE-TOOTH NEUROPATHY, TYPE 2Z. Identifiers: Orphanet 466768, MedGen C5569025, MONDO:0014736, OMIM 616688.

Allele frequency attached by ClinVar (database versions not stated): gnomAD 0.00002; gnomAD exomes 0.00001; ExAC 0.00001; TOPMed 0.00002.
gnomAD v4.1: 26 of 1,613,888 alleles (0.0016%); highest among the groups gnomAD compares: East Asian, 0.0022%; no homozygotes.

Submissions (4):

Labcorp Genetics (formerly Invitae), Labcorp
Classification: Uncertain significance for Charcot-Marie-Tooth disease axonal type 2Z. Last evaluated: 2024-10-03. Review status: criteria provided, single submitter. Criteria: Invitae Variant Classification Sherloc (09022015). Collection method: clinical testing. Allele origin: germline.
Comment: This sequence change replaces threonine, which is neutral and polar, with methionine, which is neutral and non-polar, at codon 280 of the MORC2 protein (p.Thr280Met). This variant is present in population databases (rs764379949, gnomAD 0.003%). This variant has not been reported in the literature in individuals affected with MORC2-related conditions. ClinVar contains an entry for this variant (Variation ID: 542290). Invitae Evidence Modeling of protein sequence and biophysical properties (such as structural, functional, and spatial information, amino acid conservation, physicochemical variation, residue mobility, and thermodynamic stability) indicates that this missense variant is expected to disrupt MORC2 protein function with a positive predictive value of 95%. In summary, the available evidence is currently insufficient to determine the role of this variant in disease. Therefore, it has been classified as a Variant of Uncertain Significance.

Practice for Gait Abnormalities, David Pomarino, Competency Network Toe Walking C/o Practice Pomarino
Classification: Uncertain significance for Tip-toe gait. Last evaluated: 2024-07-31. Review status: criteria provided, single submitter. Criteria: ACMG Guidelines, 2015. Collection method: clinical testing. Allele origin: germline. Affected: yes.

Centre of Medical Genetics, University Hospital Muenster
Classification: Uncertain significance. Last evaluated: 2022-12-08. Review status: criteria provided, single submitter. Criteria: ACMG Guidelines, 2015. Collection method: clinical testing. Allele origin: unknown. Affected: yes. Observed: 1 variant allele, 1 heterozygote.
Comment: ACMG categories: PM1

Ambry Genetics
Classification: Uncertain significance for Inborn genetic diseases. Last evaluated: 2022-03-24. Review status: criteria provided, single submitter. Criteria: Ambry Variant Classification Scheme 2023. Collection method: clinical testing. Allele origin: germline.
Comment: The p.T280M variant (also known as c.839C>T), located in coding exon 10 of the MORC2 gene, results from a C to T substitution at nucleotide position 839. The threonine at codon 280 is replaced by methionine, an amino acid with similar properties. This amino acid position is well conserved in available vertebrate species. In addition, this alteration is predicted to be tolerated by in silico analysis. Since supporting evidence is limited at this time, the clinical significance of this alteration remains unclear.